The following is an entry in ClinVar:

ClinVar aggregate classification (germline): Uncertain significance (1 of 4 stars; one submission).

Conditions:
Hereditary cancer-predisposing syndrome. Also called: Neoplastic Syndromes, Hereditary; Tumor predisposition; Hereditary Cancer Syndrome; Hereditary neoplastic syndrome. Identifiers: Orphanet 140162, MedGen C0027672, MeSH D009386, MONDO:0015356.

Submission:

Ambry Genetics
Classification: Uncertain significance for Hereditary cancer-predisposing syndrome. Last evaluated: 2026-01-24. Review status: criteria provided, single submitter. Criteria: Ambry Variant Classification Scheme 2023. Collection method: clinical testing. Allele origin: germline.
Comment: The p.A276D variant (also known as c.827C>A), located in coding exon 2 of the HOXB13 gene, results from a C to A substitution at nucleotide position 827. The alanine at codon 276 is replaced by aspartic acid, an amino acid with dissimilar properties. This amino acid position is conserved. In addition, the in silico prediction for this alteration is inconclusive. Based on the available evidence, the clinical significance of this variant remains unclear.

NM_006361.6(HOXB13):c.827C>A (p.Ala276Asp)

Gene: HOXB13 (homeobox B13; minus strand). Cytogenetic location: 17q21.32.
Variant type: single nucleotide variant.
Coding change: c.827C>A on transcript NM_006361.6 (MANE Select); coding-DNA position 827, C replaced by A.
Protein change: p.Ala276Asp; replaces alanine 276 with aspartic acid.
Molecular consequence: missense variant.
Genome position (GRCh38, 1-based): chr17:48,726,818, G>T on the plus strand (C>A on the coding strand, the complement: HOXB13 is on the minus strand). VCF-style: chr17-48726818-G-T. GRCh37 (hg19) VCF-style: chr17-46804180-G-T.
Other names: short protein forms A276D.
Identifiers: ClinVar variation 4844720 (VCV004844720.1).
Genomic context (GRCh38, chr17:48,726,818, plus strand): 5'-TTTCGCTCCTCCCACCCAGGCAAGGAGATCTCTTAAGGGGTAGCGCTGTTCTTCACCTTG[G>T]CGAGAACCTTCTTCTCTTTGACCCGGCGGTTCTGAAACCAGATGGTAATCTGGCGCTCCG-3'
Protein context (NP_006352.2, residues 266-284): NRRVKEKKVL[Ala276Asp]KVKNSATP